The following is an entry in ClinVar:

NM_006231.4(POLE):c.3506A>C (p.Lys1169Thr)

Gene: POLE (DNA polymerase epsilon, catalytic subunit; minus strand). Cytogenetic location: 12q24.33.
Variant type: single nucleotide variant.
Coding change: c.3506A>C on transcript NM_006231.4 (MANE Select); coding-DNA position 3506, A replaced by C.
Protein change: p.Lys1169Thr; replaces lysine 1169 with threonine.
Molecular consequence: missense variant.
Genome position (GRCh38, 1-based): chr12:132,657,212, T>G on the plus strand (A>C on the coding strand, the complement: POLE is on the minus strand). VCF-style: chr12-132657212-T-G. GRCh37 (hg19) VCF-style: chr12-133233798-T-G.
Other names: short protein forms K1169T.
Identifiers: ClinVar variation 968815 (VCV000968815.9), dbSNP rs374456899, ClinGen allele CA387388609.

ClinVar aggregate classification (germline): Uncertain significance (1 of 4 stars; one submission).

Submission:

Labcorp Genetics (formerly Invitae), Labcorp
Classification: Uncertain significance. Last evaluated: 2022-07-19. Review status: criteria provided, single submitter. Criteria: Invitae Variant Classification Sherloc (09022015). Collection method: clinical testing. Allele origin: germline.
Comment: In summary, the available evidence is currently insufficient to determine the role of this variant in disease. Therefore, it has been classified as a Variant of Uncertain Significance. Algorithms developed to predict the effect of missense changes on protein structure and function are either unavailable or do not agree on the potential impact of this missense change (SIFT: "Deleterious"; PolyPhen-2: "Possibly Damaging"; Align-GVGD: "Class C0"). ClinVar contains an entry for this variant (Variation ID: 968815). This variant has not been reported in the literature in individuals affected with POLE-related conditions. This variant is not present in population databases (gnomAD no frequency). This sequence change replaces lysine, which is basic and polar, with threonine, which is neutral and polar, at codon 1169 of the POLE protein (p.Lys1169Thr).